The following is an entry in ClinVar:

NM_000834.5(GRIN2B):c.3893T>C (p.Leu1298Pro)

Gene: GRIN2B (glutamate ionotropic receptor NMDA type subunit 2B; minus strand). Cytogenetic location: 12p13.1.
Variant type: single nucleotide variant.
Coding change: c.3893T>C on transcript NM_000834.5 (MANE Select); coding-DNA position 3893, T replaced by C.
Protein change: p.Leu1298Pro; replaces leucine 1298 with proline.
Molecular consequence: missense variant.
Genome position (GRCh38, 1-based): chr12:13,563,345, A>G on the plus strand (T>C on the coding strand, the complement: GRIN2B is on the minus strand). VCF-style: chr12-13563345-A-G. GRCh37 (hg19) VCF-style: chr12-13716279-A-G.
Other names: short protein forms L1298P.
Identifiers: ClinVar variation 234583 (VCV000234583.14), dbSNP rs876661100, ClinGen allele CA10577436.

ClinVar aggregate classification (germline): Uncertain significance. Review status: criteria provided, multiple submitters, no conflicts (2 of 4 stars). 2 submissions from 2 submitters: Uncertain significance (2). Last evaluated 2022-01-06.

Conditions:
Intellectual developmental disorder, autosomal dominant 6, with or without seizures. Also called: Intellectual disability, autosomal dominant 6; GRIN2B-related developmental delay, intellectual disability and autism spectrum disorder. Identifiers: Orphanet 589547, MedGen C3151411, MONDO:0013509, OMIM 613970.
Developmental and epileptic encephalopathy, 27 (DEE27). Also called: Epileptic encephalopathy, early infantile, 27; GRIN2B-Related Neurodevelopmental Disorder. Identifiers: Orphanet 3451, MedGen C4015316, MONDO:0014505, OMIM 616139.

Submissions (2):

Labcorp Genetics (formerly Invitae), Labcorp
Classification: Uncertain significance for Developmental and epileptic encephalopathy, 27; Intellectual developmental disorder, autosomal dominant 6, with or without seizures. Last evaluated: 2022-01-06. Review status: criteria provided, single submitter. Criteria: Invitae Variant Classification Sherloc (09022015). Collection method: clinical testing. Allele origin: germline.
Comment: In summary, the available evidence is currently insufficient to determine the role of this variant in disease. Therefore, it has been classified as a Variant of Uncertain Significance. Algorithms developed to predict the effect of missense changes on protein structure and function are either unavailable or do not agree on the potential impact of this missense change (SIFT: "Deleterious"; PolyPhen-2: "Probably Damaging"; Align-GVGD: "Class C0"). ClinVar contains an entry for this variant (Variation ID: 234583). This variant has not been reported in the literature in individuals affected with GRIN2B-related conditions. This variant is not present in population databases (gnomAD no frequency). This sequence change replaces leucine, which is neutral and non-polar, with proline, which is neutral and non-polar, at codon 1298 of the GRIN2B protein (p.Leu1298Pro).

GeneDx
Classification: Uncertain significance. Last evaluated: 2018-07-24. Review status: criteria provided, single submitter. Criteria: GeneDx Variant Classification (06012015). Collection method: clinical testing. Allele origin: germline. Affected: yes.
Comment: The L1298P variant has not been published as a pathogenic variant, nor has it been reported as a benign variant to our knowledge. It was not observed in approximately 6,500 individuals of European and African American ancestry in the NHLBI Exome Sequencing Project, indicating it is not a common benign variant in these populations. The L1298P variant is a semi-conservative amino acid substitution, which may impact secondary protein structure as these residues differ in some properties. This substitution occurs at a position that is conserved across species, and in silico analysis predicts this variant is probably damaging to the protein structure/function. However, missense variants in nearby residues have not been reported in the Human Gene Mutation Database in association with GRIN2B-related disorders (Stenson et al., 2014). Based on the currently available information, it is unclear whether the L1298P variant is a pathogenic variant or a rare benign variant.